The following is an entry in ClinVar:

ClinVar aggregate classification (germline): Uncertain significance (1 of 4 stars; one submission).

Allele frequency attached by ClinVar (database versions not stated): gnomAD exomes below 0.00001.
gnomAD v4.1: 1 of 1,614,154 alleles (0.000062%); highest among the groups gnomAD compares: South Asian, 0.0011%; no homozygotes.

Submission:

GeneDx
Classification: Uncertain significance. Last evaluated: 2024-06-10. Review status: criteria provided, single submitter. Criteria: GeneDx Variant Classification Process June 2021. Collection method: clinical testing. Allele origin: germline. Affected: yes.
Comment: In silico analysis supports that this missense variant has a deleterious effect on protein structure/function; Has not been previously published as pathogenic or benign to our knowledge; Not observed at significant frequency in large population cohorts (gnomAD); In silico analysis supports a deleterious effect on splicing

NM_001961.4(EEF2):c.658G>A (p.Gly220Arg)

Gene: EEF2 (eukaryotic translation elongation factor 2; minus strand). Cytogenetic location: 19p13.3.
Variant type: single nucleotide variant.
Coding change: c.658G>A on transcript NM_001961.4 (MANE Select); coding-DNA position 658, G replaced by A.
Protein change: p.Gly220Arg; replaces glycine 220 with arginine.
Molecular consequence: missense variant.
Genome position (GRCh38, 1-based): chr19:3,982,379, C>T on the plus strand (G>A on the coding strand, the complement: EEF2 is on the minus strand). VCF-style: chr19-3982379-C-T. GRCh37 (hg19) VCF-style: chr19-3982377-C-T.
Other names: short protein forms G220R.
Identifiers: ClinVar variation 1318704 (VCV001318704.3), dbSNP rs2145364443, ClinGen allele CA403394415.